The following is an entry in ClinVar:

ClinVar aggregate classification (germline): Uncertain significance. Review status: criteria provided, multiple submitters, no conflicts (2 of 4 stars). 2 submissions from 2 submitters: Uncertain significance (2). Last evaluated 2025-10-20.

Conditions:
Autosomal dominant nonsyndromic hearing loss 1. Also called: KONIGSMARK SYNDROME; DEAFNESS, AUTOSOMAL DOMINANT 1, WITH OR WITHOUT THROMBOCYTOPENIA. Identifiers: Orphanet 90635, MedGen C1852282, MONDO:0007424, OMIM 124900.
Progressive microcephaly-seizures-cortical blindness-developmental delay syndrome. Also called: Seizures, cortical blindness, and microcephaly syndrome. Identifiers: Orphanet 477814, MedGen C5567650, MONDO:0014714, OMIM 616632.

Allele frequency attached by ClinVar (database versions not stated): gnomAD 0.00001; TOPMed 0.00004.
gnomAD v4.1: 42 of 1,613,720 alleles (0.0026%); highest among the groups gnomAD compares: Non-Finnish European, 0.0034%; no homozygotes.

Submissions (2):

Labcorp Genetics (formerly Invitae), Labcorp
Classification: Uncertain significance for Progressive microcephaly-seizures-cortical blindness-developmental delay syndrome; Autosomal dominant nonsyndromic hearing loss 1. Last evaluated: 2025-10-20. Review status: criteria provided, single submitter. Criteria: Invitae Variant Classification Sherloc (09022015). Collection method: clinical testing. Allele origin: germline.
Comment: This sequence change replaces valine, which is neutral and non-polar, with leucine, which is neutral and non-polar, at codon 582 of the DIAPH1 protein (p.Val582Leu). This variant is present in population databases (no rsID available, gnomAD 0.004%). This variant has not been reported in the literature in individuals affected with DIAPH1-related conditions. ClinVar contains an entry for this variant (Variation ID: 351295). An algorithm developed to predict the effect of missense changes on protein structure and function outputs the following: PolyPhen-2: "Not Available". The leucine amino acid residue is found in multiple mammalian species, which suggests that this missense change does not adversely affect protein function. In summary, the available evidence is currently insufficient to determine the role of this variant in disease. Therefore, it has been classified as a Variant of Uncertain Significance.

Illumina Laboratory Services, Illumina
Classification: Uncertain significance for Autosomal dominant nonsyndromic hearing loss 1. Last evaluated: 2018-01-13. Review status: criteria provided, single submitter. Criteria: ICSL Variant Classification Criteria 13 December 2019. Collection method: clinical testing. Allele origin: germline.

NM_005219.5(DIAPH1):c.1744G>C (p.Val582Leu)

Gene: DIAPH1 (diaphanous related formin 1; minus strand). Cytogenetic location: 5q31.3.
Variant type: single nucleotide variant.
Coding change: c.1744G>C on transcript NM_005219.5 (MANE Select); coding-DNA position 1744, G replaced by C.
Protein change: p.Val582Leu; replaces valine 582 with leucine.
Molecular consequence: missense variant.
Genome position (GRCh38, 1-based): chr5:141,574,106, C>G on the plus strand (G>C on the coding strand, the complement: DIAPH1 is on the minus strand). VCF-style: chr5-141574106-C-G. GRCh37 (hg19) VCF-style: chr5-140953673-C-G.
Other names: c.1717G>C, p.Val573Leu (NM_001079812.3); c.1744G>C, p.Val582Leu (NM_001314007.2); short protein forms V582L, V573L.
Identifiers: ClinVar variation 351295 (VCV000351295.10), dbSNP rs746371106, ClinGen allele CA10619213.
Genomic context (GRCh38, chr5:141,574,106, plus strand): 5'-GAGCAGGTGGTGGTGGAATAATAGTGCCAGAGTCACCAGGTAAAGGAGGGGCAGGGGGAA[C>G]AGGAGCACGACTAGGAACAGAAGGAGGTACAGTAATAGCTGCCGCAGAGAGGGAAGCCAT-3'
Protein context (NP_005210.3, residues 572-592): VPPSVPSRAP[Val582Leu]PPAPPLPGDS